The following is an entry in ClinVar:

NM_007194.4(CHEK2):c.1015C>T (p.His339Tyr)

Gene: CHEK2 (checkpoint kinase 2; minus strand). Cytogenetic location: 22q12.1.
Variant type: single nucleotide variant.
Coding change: c.1015C>T on transcript NM_007194.4 (MANE Select); coding-DNA position 1015, C replaced by T.
Protein change: p.His339Tyr; replaces histidine 339 with tyrosine.
Molecular consequence: missense variant. On other transcripts: intron variant (3).
Genome position (GRCh38, 1-based): chr22:28,696,981, G>A on the plus strand (C>T on the coding strand, the complement: CHEK2 is on the minus strand). VCF-style: chr22-28696981-G-A. GRCh37 (hg19) VCF-style: chr22-29092969-G-A.
Other names: c.1144C>T, p.His382Tyr (NM_001005735.3); c.352C>T, p.His118Tyr (NM_001257387.3, NM_001437942.1); c.814C>T, p.His272Tyr (NM_001349956.3); c.1108C>T, p.His370Tyr (NM_001438293.1); c.1009-1108C>T (NM_145862.3); c.1102-1108C>T (NM_001438295.1); c.1138-1108C>T (NM_001438294.1); short protein forms H339Y, H272Y, H382Y, H118Y, H370Y.
Identifiers: ClinVar variation 240725 (VCV000240725.19), dbSNP rs371207635, ClinGen allele CA10167744.

ClinVar aggregate classification (germline): Uncertain significance. Review status: criteria provided, multiple submitters, no conflicts (2 of 4 stars). 5 submissions from 5 submitters: Uncertain significance (5). Last evaluated 2026-01-12.

Conditions:
Familial cancer of breast. Also called: BREAST CANCER, FAMILIAL; hereditary breast carcinoma; Hereditary breast cancer. Identifiers: Orphanet 227535, MedGen C0346153, MONDO:0016419, OMIM 114480. Disease mechanism: loss of function.
Hereditary cancer-predisposing syndrome. Also called: Tumor predisposition; Hereditary neoplastic syndrome; Hereditary Cancer Syndrome; Neoplastic Syndromes, Hereditary. Identifiers: Orphanet 140162, MedGen C0027672, MeSH D009386, MONDO:0015356.

Allele frequency attached by ClinVar (database versions not stated): ExAC 0.00001; gnomAD exomes below 0.00001; ESP Exome Variant Server 0.00008.
gnomAD v4.1: 1 of 1,609,290 alleles (0.000062%); highest among the groups gnomAD compares: Non-Finnish European, 0.000085%; no homozygotes.

Submissions (5):

Ambry Genetics
Classification: Uncertain significance for Hereditary cancer-predisposing syndrome. Last evaluated: 2026-01-12. Review status: criteria provided, single submitter. Criteria: Ambry Variant Classification Scheme 2023. Collection method: clinical testing. Allele origin: germline.
Comment: The p.H339Y variant (also known as c.1015C>T), located in coding exon 9 of the CHEK2 gene, results from a C to T substitution at nucleotide position 1015. The histidine at codon 339 is replaced by tyrosine, an amino acid with similar properties. In functional studies conducted in human RPE1-CHEK2-knockout cells, this variant was reported as functionally impaired in an assay of CHEK2-complementation through quantification of KAP1 phosphorylation, but functional in an assay based on CHK2 autophosphorylation (Stolarova L et al. Clin Cancer Res. 2023 Aug;29(16):3037-3050). This amino acid position is highly conserved in available vertebrate species. In addition, this alteration is predicted to be deleterious by in silico analysis. Based on the available evidence, the clinical significance of this variant remains unclear.

Labcorp Genetics (formerly Invitae), Labcorp
Classification: Uncertain significance for Familial cancer of breast. Last evaluated: 2025-11-26. Review status: criteria provided, single submitter. Criteria: Invitae Variant Classification Sherloc (09022015). Collection method: clinical testing. Allele origin: germline.
Comment: This sequence change replaces histidine, which is basic and polar, with tyrosine, which is neutral and polar, at codon 339 of the CHEK2 protein (p.His339Tyr). This variant is present in population databases (rs371207635, gnomAD 0.0009%). This variant has not been reported in the literature in individuals affected with CHEK2-related conditions. ClinVar contains an entry for this variant (Variation ID: 240725). An algorithm developed to predict the effect of missense changes on protein structure and function (PolyPhen-2) suggests that this variant is likely to be disruptive. In summary, the available evidence is currently insufficient to determine the role of this variant in disease. Therefore, it has been classified as a Variant of Uncertain Significance.

Color Diagnostics, LLC DBA Color Health
Classification: Uncertain significance for Hereditary cancer-predisposing syndrome. Last evaluated: 2025-09-03. Review status: criteria provided, single submitter. Criteria: ACMG Guidelines, 2015. Collection method: clinical testing. Allele origin: germline.
Comment: This missense variant replaces histidine with tyrosine at codon 339 of the CHEK2 protein. Computational prediction suggests that this variant may have deleterious impact on protein structure and function. To our knowledge, functional studies have not been reported for this variant. This variant has not been reported in individuals affected with CHEK2-related disorders in the literature. This variant has been identified in 1/251090 chromosomes in the general population by the Genome Aggregation Database (gnomAD). The available evidence is insufficient to determine the role of this variant in disease conclusively. Therefore, this variant is classified as a Variant of Uncertain Significance.

Baylor Genetics
Classification: Uncertain significance for Familial cancer of breast. Last evaluated: 2023-11-13. Review status: criteria provided, single submitter. Criteria: ACMG Guidelines, 2015. Collection method: clinical testing. Allele origin: unknown.

GeneDx
Classification: Uncertain significance. Last evaluated: 2018-01-29. Review status: criteria provided, single submitter. Criteria: GeneDx Variant Classification (06012015). Collection method: clinical testing. Allele origin: germline. Affected: yes.
Comment: This variant is denoted CHEK2 c.1015C>T at the cDNA level, p.His339Tyr (H339Y) at the protein level, and results in the change of a Histidine to a Tyrosine (CAT>TAT). This variant has not, to our knowledge, been published in the literature as pathogenic or benign. CHEK2 His339Tyr was not observed at a significant allele frequency in large population cohorts (Lek 2016). This variant is located in the Kinase domain (Cai 2009, Roeb 2012). In silico analysis, which includes protein predictors and evolutionary conservation, supports a deleterious effect. Based on currently available evidence, it is unclear whether CHEK2 His339Tyr is a pathogenic or benign variant. We consider it to be a variant of uncertain significance.

Literature cited by the submitters: PubMed 37449874 (cited by Ambry Genetics).